The following is an entry in ClinVar:

NM_000441.2(SLC26A4):c.1014T>G (p.Pro338=)

Gene: SLC26A4 (solute carrier family 26 member 4; plus strand). Cytogenetic location: 7q22.3.
Variant type: single nucleotide variant.
Coding change: c.1014T>G on transcript NM_000441.2 (MANE Select); coding-DNA position 1014, T replaced by G.
Protein change: p.Pro338=; no amino-acid change (proline 338 retained).
Molecular consequence: synonymous variant.
Genome position (GRCh38, 1-based): chr7:107,689,065, T>G. VCF-style: chr7-107689065-T-G. GRCh37 (hg19) VCF-style: chr7-107329510-T-G.
Identifiers: ClinVar variation 1012570 (VCV001012570.43), dbSNP rs1791494484, ClinGen allele CA457088125.
Genomic context (GRCh38, chr7:107,689,065, plus strand): 5'-GGATGGTGGTCAAATCTTCACAGCATTTTTCACTTAAAAACTCACTAGGTTTTTGCCTCC[T>G]GAACTTCCACCTGTGAGCTTGTTCTCGGAGATGCTGGCTGCATCATTTTCCATCGCTGTG-3'
Protein context (NP_000432.1, residues 328-348): VKSIPRGFLP[Pro338=]ELPPVSLFSE

ClinVar aggregate classification (germline): Likely benign. Review status: criteria provided, multiple submitters, no conflicts (2 of 4 stars). 2 submissions from 2 submitters: Likely benign (2). Last evaluated 2023-04-01.

Submissions (2):

CeGaT Center for Human Genetics Tuebingen
Classification: Likely benign. Last evaluated: 2023-04-01. Review status: criteria provided, single submitter. Criteria: CeGaT Center For Human Genetics Tuebingen Variant Classification Criteria Version 2. Collection method: clinical testing. Allele origin: germline. Affected: yes. Observed: 1 variant allele.
Comment: SLC26A4: PM2:Supporting, BP4, BP7

Labcorp Genetics (formerly Invitae), Labcorp
Classification: Likely benign. Last evaluated: 2021-04-25. Review status: criteria provided, single submitter. Criteria: Invitae Variant Classification Sherloc (09022015). Collection method: clinical testing. Allele origin: germline.